The following is an entry in ClinVar:

NM_018685.5(ANLN):c.2409A>G (p.Ser803=)

Gene: ANLN (anillin, actin binding protein; plus strand). Cytogenetic location: 7p14.2.
Variant type: single nucleotide variant.
Coding change: c.2409A>G on transcript NM_018685.5 (MANE Select); coding-DNA position 2409, A replaced by G.
Protein change: p.Ser803=; no amino-acid change (serine 803 retained).
Molecular consequence: synonymous variant.
Genome position (GRCh38, 1-based): chr7:36,422,742, A>G. VCF-style: chr7-36422742-A-G. GRCh37 (hg19) VCF-style: chr7-36462351-A-G.
Other names: c.2298A>G, p.Ser766= (NM_001284301.3); c.2295A>G, p.Ser765= (NM_001284302.3).
Identifiers: ClinVar variation 1455084 (VCV001455084.16), dbSNP rs756987624, ClinGen allele CA4219855.

ClinVar aggregate classification (germline): Likely benign. Review status: criteria provided, multiple submitters, no conflicts (2 of 4 stars). 2 submissions from 2 submitters: Likely benign (2). Last evaluated 2025-08-01.

Allele frequency attached by ClinVar (database versions not stated): gnomAD 0.00001; ExAC 0.00002; gnomAD exomes 0.00002; TOPMed 0.00002.
gnomAD v4.1: 80 of 1,613,592 alleles (0.005%); highest among the groups gnomAD compares: Non-Finnish European, 0.006%; no homozygotes.

Submissions (2):

CeGaT Center for Human Genetics Tuebingen
Classification: Likely benign. Last evaluated: 2025-08-01. Review status: criteria provided, single submitter. Criteria: CeGaT Center For Human Genetics Tuebingen Variant Classification Criteria Version 2. Collection method: clinical testing. Allele origin: germline. Affected: yes. Observed: 1 variant allele.
Comment: ANLN: BP4, BP7

Labcorp Genetics (formerly Invitae), Labcorp
Classification: Likely benign. Last evaluated: 2022-06-23. Review status: criteria provided, single submitter. Criteria: Invitae Variant Classification Sherloc (09022015). Collection method: clinical testing. Allele origin: germline.